The following is an entry in ClinVar:

NM_181349.3(SMURF1):c.1128A>G (p.Glu376=)

Gene: SMURF1 (SMAD specific E3 ubiquitin protein ligase 1; minus strand). Cytogenetic location: 7q22.1.
Variant type: single nucleotide variant.
Coding change: c.1128A>G on transcript NM_181349.3 (MANE Select); coding-DNA position 1128, A replaced by G.
Protein change: p.Glu376=; no amino-acid change (glutamic acid 376 retained).
Molecular consequence: synonymous variant.
Genome position (GRCh38, 1-based): chr7:99,047,708, T>C on the plus strand (A>G on the coding strand, the complement: SMURF1 is on the minus strand). VCF-style: chr7-99047708-T-C. GRCh37 (hg19) VCF-style: chr7-98645331-T-C.
Other names: NC_000007.13:g.98645331T>C; c.1128A>G, p.Glu376= (NM_001199847.2); c.1206A>G, p.Glu402= (NM_020429.3).
Identifiers: ClinVar variation 2657718 (VCV002657718.25), dbSNP rs141532197, ClinGen allele CA4362624.

ClinVar aggregate classification (germline): Likely benign (1 of 4 stars; one submission).

Allele frequency attached by ClinVar (database versions not stated): ExAC 0.00133; gnomAD 0.00199; ESP Exome Variant Server 0.00238; gnomAD exomes 0.00277; TOPMed 0.00216.
gnomAD v4.1: 4,354 of 1,614,130 alleles (0.27%); highest among the groups gnomAD compares: Non-Finnish European, 0.34%; 10 homozygotes.

Submissions (20):

CeGaT Center for Human Genetics Tuebingen
Classification: Likely benign. Last evaluated: 2022-07-01. Review status: criteria provided, single submitter. Criteria: CeGaT Center For Human Genetics Tuebingen Variant Classification Criteria Version 2. Collection method: clinical testing. Allele origin: germline. Affected: yes. Observed: 1 variant allele.
Comment: SMURF1: BP4, BP7

Dr. Peter K. Rogan Lab, Western University
No classification provided (evidence only). Condition: Malignant tumor of urinary bladder. Review status: no classification provided. Collection method: in vitro. Allele origin: not applicable. Functional consequence: retained intron. Not counted in ClinVar's aggregate classification.

Dr. Peter K. Rogan Lab, Western University
No classification provided (evidence only). Condition: Clear cell carcinoma of kidney. Review status: no classification provided. Collection method: in vitro. Allele origin: not applicable. Functional consequence: retained intron. Not counted in ClinVar's aggregate classification.

Dr. Peter K. Rogan Lab, Western University
No classification provided (evidence only). Condition: Clear cell carcinoma of kidney. Review status: no classification provided. Collection method: in vitro. Allele origin: not applicable. Functional consequence: retained intron. Not counted in ClinVar's aggregate classification.

Dr. Peter K. Rogan Lab, Western University
No classification provided (evidence only). Condition: Lung cancer. Review status: no classification provided. Collection method: in vitro. Allele origin: not applicable. Functional consequence: retained intron. Not counted in ClinVar's aggregate classification.

Dr. Peter K. Rogan Lab, Western University
No classification provided (evidence only). Condition: Lung cancer. Review status: no classification provided. Collection method: in vitro. Allele origin: not applicable. Functional consequence: retained intron. Not counted in ClinVar's aggregate classification.

Dr. Peter K. Rogan Lab, Western University
No classification provided (evidence only). Condition: Melanoma. Review status: no classification provided. Collection method: in vitro. Allele origin: not applicable. Functional consequence: retained intron. Not counted in ClinVar's aggregate classification.

Dr. Peter K. Rogan Lab, Western University
No classification provided (evidence only). Condition: Melanoma. Review status: no classification provided. Collection method: in vitro. Allele origin: not applicable. Functional consequence: retained intron. Not counted in ClinVar's aggregate classification.

Dr. Peter K. Rogan Lab, Western University
No classification provided (evidence only). Condition: Familial cancer of breast. Review status: no classification provided. Collection method: in vitro. Allele origin: not applicable. Functional consequence: retained intron. Not counted in ClinVar's aggregate classification.

Dr. Peter K. Rogan Lab, Western University
No classification provided (evidence only). Condition: Acute myeloid leukemia. Review status: no classification provided. Collection method: in vitro. Allele origin: not applicable. Functional consequence: retained intron. Not counted in ClinVar's aggregate classification.

Dr. Peter K. Rogan Lab, Western University
No classification provided (evidence only). Condition: Colon adenocarcinoma. Review status: no classification provided. Collection method: in vitro. Allele origin: not applicable. Functional consequence: retained intron. Not counted in ClinVar's aggregate classification.

Dr. Peter K. Rogan Lab, Western University
No classification provided (evidence only). Condition: Thyroid cancer, nonmedullary, 1. Review status: no classification provided. Collection method: in vitro. Allele origin: not applicable. Functional consequence: retained intron. Not counted in ClinVar's aggregate classification.

Dr. Peter K. Rogan Lab, Western University
No classification provided (evidence only). Condition: Cervical cancer. Review status: no classification provided. Collection method: in vitro. Allele origin: not applicable. Functional consequence: retained intron. Not counted in ClinVar's aggregate classification.

Dr. Peter K. Rogan Lab, Western University
No classification provided (evidence only). Condition: Cervical cancer. Review status: no classification provided. Collection method: in vitro. Allele origin: not applicable. Functional consequence: retained intron. Not counted in ClinVar's aggregate classification.

Dr. Peter K. Rogan Lab, Western University
No classification provided (evidence only). Condition: Hepatocellular carcinoma. Review status: no classification provided. Collection method: in vitro. Allele origin: not applicable. Functional consequence: retained intron. Not counted in ClinVar's aggregate classification.

Dr. Peter K. Rogan Lab, Western University
No classification provided (evidence only). Condition: Nonpapillary renal cell carcinoma. Review status: no classification provided. Collection method: in vitro. Allele origin: not applicable. Functional consequence: retained intron. Not counted in ClinVar's aggregate classification.

Dr. Peter K. Rogan Lab, Western University
No classification provided (evidence only). Condition: Ovarian serous cystadenocarcinoma. Review status: no classification provided. Collection method: in vitro. Allele origin: not applicable. Functional consequence: retained intron. Not counted in ClinVar's aggregate classification.

Dr. Peter K. Rogan Lab, Western University
No classification provided (evidence only). Condition: Ovarian serous cystadenocarcinoma. Review status: no classification provided. Collection method: in vitro. Allele origin: not applicable. Functional consequence: retained intron. Not counted in ClinVar's aggregate classification.

Dr. Peter K. Rogan Lab, Western University
No classification provided (evidence only). Condition: Ovarian serous cystadenocarcinoma. Review status: no classification provided. Collection method: in vitro. Allele origin: not applicable. Functional consequence: retained intron. Not counted in ClinVar's aggregate classification.

Dr. Peter K. Rogan Lab, Western University
No classification provided (evidence only). Condition: Uveal melanoma. Review status: no classification provided. Collection method: in vitro. Allele origin: not applicable. Functional consequence: retained intron. Not counted in ClinVar's aggregate classification.